The following is an entry in ClinVar:

ClinVar aggregate classification (germline): Benign/Likely benign. Review status: criteria provided, multiple submitters, no conflicts (2 of 4 stars). 11 submissions from 11 submitters: Benign (4); Likely benign (6). 1 of the submissions does not count toward it. Last evaluated 2026-02-04.

Conditions:
TSC1-related disorder. Also called: TSC1-related condition.
Hereditary cancer-predisposing syndrome. Also called: Tumor predisposition; Hereditary Cancer Syndrome; Hereditary neoplastic syndrome; Neoplastic Syndromes, Hereditary. Identifiers: Orphanet 140162, MedGen C0027672, MeSH D009386, MONDO:0015356.
Tuberous sclerosis syndrome (TSC). Also called: Tuberous Sclerosis Complex; Tuberous sclerosis. Identifiers: Orphanet 805, MedGen C0041341, MONDO:0001734.
Tuberous sclerosis 1 (TSC1). Identifiers: Orphanet 805, MedGen C1854465, MONDO:0008612, OMIM 191100.

Allele frequency attached by ClinVar (database versions not stated): gnomAD below 0.00001 and 0.00001; TOPMed below 0.00001; gnomAD exomes 0.00008; ExAC 0.00012; 1000 Genomes Project 30x 0.00031.

Submissions (11):

Labcorp Genetics (formerly Invitae), Labcorp
Classification: Benign for Tuberous sclerosis 1. Last evaluated: 2026-02-04. Review status: criteria provided, single submitter. Criteria: Invitae Variant Classification Sherloc (09022015). Collection method: clinical testing. Allele origin: germline.

Quest Diagnostics Nichols Institute San Juan Capistrano
Classification: Likely benign. Last evaluated: 2025-01-02. Review status: criteria provided, single submitter. Criteria: Quest Diagnostics criteria. Collection method: clinical testing. Allele origin: unknown.

Myriad Genetics, Inc.
Classification: Likely benign for Tuberous sclerosis 1. Last evaluated: 2024-08-15. Review status: criteria provided, single submitter. Criteria: Myriad Autosomal Dominant, Autosomal Recessive and X-Linked Classification Criteria (2023). Collection method: clinical testing. Allele origin: unknown.
Comment: This variant is considered likely benign. This variant has been observed at a population frequency that is significantly greater than expected given the associated disease prevalence and penetrance.

Blueprint Genetics
Classification: Likely benign. Last evaluated: 2024-02-20. Review status: criteria provided, single submitter. Criteria: ACMG Guidelines, 2015. Collection method: clinical testing. Allele origin: germline.

Color Diagnostics, LLC DBA Color Health
Classification: Benign for Tuberous sclerosis syndrome. Last evaluated: 2023-09-08. Review status: criteria provided, single submitter. Criteria: ACMG Guidelines, 2015. Collection method: clinical testing. Allele origin: germline.

CeGaT Center for Human Genetics Tuebingen
Classification: Likely benign. Last evaluated: 2023-04-01. Review status: criteria provided, single submitter. Criteria: CeGaT Center For Human Genetics Tuebingen Variant Classification Criteria Version 2. Collection method: clinical testing. Allele origin: germline. Affected: yes. Observed: 1 variant allele.
Comment: TSC1: BS1

Ambry Genetics
Classification: Benign for Hereditary cancer-predisposing syndrome. Last evaluated: 2022-04-11. Review status: criteria provided, single submitter. Criteria: Ambry Variant Classification Scheme 2023. Collection method: clinical testing. Allele origin: germline.

Genome-Nilou Lab
Classification: Likely benign for Tuberous sclerosis 1. Last evaluated: 2021-11-07. Review status: criteria provided, single submitter. Criteria: ACMG Guidelines, 2015. Collection method: clinical testing. Allele origin: germline. Affected: no.

Sema4
Classification: Likely benign for Hereditary cancer-predisposing syndrome. Last evaluated: 2021-07-27. Review status: criteria provided, single submitter. Criteria: Sema4 Curation Guidelines. Collection method: curation. Allele origin: germline.

GeneDx
Classification: Benign. Last evaluated: 2021-01-16. Review status: criteria provided, single submitter. Criteria: GeneDx Variant Classification Process June 2021. Collection method: clinical testing. Allele origin: germline. Affected: yes.

PreventionGenetics, part of Exact Sciences
Classification: Likely benign for TSC1-related condition. Last evaluated: 2024-05-05. Review status: no assertion criteria provided. Collection method: clinical testing. Allele origin: germline. Not counted in ClinVar's aggregate classification.
Comment: This variant is classified as likely benign based on ACMG/AMP sequence variant interpretation guidelines (Richards et al. 2015 PMID: 25741868, with internal and published modifications).

NM_000368.5(TSC1):c.3133C>G (p.Leu1045Val)

Gene: TSC1 (TSC complex subunit 1; minus strand). Cytogenetic location: 9q34.13.
Variant type: single nucleotide variant.
Coding change: c.3133C>G on transcript NM_000368.5 (MANE Select); coding-DNA position 3133, C replaced by G.
Protein change: p.Leu1045Val; replaces leucine 1045 with valine.
Molecular consequence: missense variant.
Genome position (GRCh38, 1-based): chr9:132,896,597, G>C on the plus strand (C>G on the coding strand, the complement: TSC1 is on the minus strand). VCF-style: chr9-132896597-G-C. GRCh37 (hg19) VCF-style: chr9-135771984-G-C.
Other names: c.3130C>G, p.Leu1044Val (NM_001162426.2); c.2980C>G, p.Leu994Val (NM_001162427.2); c.2770C>G, p.Leu924Val (NM_001362177.2); short protein forms L1045V, L994V, L1044V, L924V.
Identifiers: ClinVar variation 565417 (VCV000565417.49), dbSNP rs747162992, ClinGen allele CA036003.
Genomic context (GRCh38, chr9:132,896,597, plus strand): 5'-TCTCCCACCGACTGCTGAATGGGCCTGCCCTCTGGTGTGGGGGTTTCTCTGGGGTAGAAA[G>C]CTCGCTGCTGCTGCTGCTGCTGCCTCCACCACCTCTGCTTCCACTACTGCCCCGGGCGCT-3'
Protein context (NP_000359.1, residues 1035-1055): GGGSSSSSSE[Leu1045Val]STPEKPPHQR